The following is an entry in ClinVar:

NM_000038.6(APC):c.730-5A>G

Gene: APC (APC regulator of Wnt signaling pathway; plus strand). Cytogenetic location: 5q22.2.
Variant type: single nucleotide variant.
Coding change: c.730-5A>G on transcript NM_000038.6 (MANE Select); 5 bases into the intron before coding-DNA position 730, A replaced by G.
Molecular consequence: intron variant.
Genome position (GRCh38, 1-based): chr5:112,801,274, A>G. VCF-style: chr5-112801274-A-G. GRCh37 (hg19) VCF-style: chr5-112136971-A-G.
Other names: c.730-5A>G (NM_001354895.2, NM_001127510.3, NM_001354896.2 and 1 more transcripts); c.760-5A>G (NM_001354897.2, NM_001354902.2); c.676-5A>G (NM_001127511.3); c.655-5A>G (NM_001354898.2, NM_001354904.2); c.-306-5A>G (NM_001354906.2); c.646-5A>G (NM_001354899.2); c.553-5A>G (NM_001354900.2, NM_001354901.2, NM_001354905.2).
Identifiers: ClinVar variation 572858 (VCV000572858.17), dbSNP rs1561514828, ClinGen allele CA645546040.
Genomic context (GRCh38, chr5:112,801,274, plus strand): 5'-AAAGCCTTGGGCTAAGAAAGCCTACACCATTTTTGCATGTACTGATGTTAACTCCATCTT[A>G]ACAGAGGTCATCTCAGAACAAGCATGAAACCGGCTCACATGATGCTGAGCGGCAGAATGA-3'

ClinVar aggregate classification (germline): Conflicting classifications of pathogenicity. Review status: criteria provided, conflicting classifications (1 of 4 stars). 5 submissions from 5 submitters: Uncertain significance (2); Likely benign (3). Last evaluated 2025-11-27.

Conditions:
Familial adenomatous polyposis 1 (FAP1). Also called: POLYPOSIS, ADENOMATOUS INTESTINAL; FAMILIAL ADENOMATOUS POLYPOSIS 1, ATTENUATED. Identifiers: MedGen C2713442, MONDO:0021056, OMIM 175100. Disease mechanism: loss of function.
Hereditary cancer-predisposing syndrome. Also called: Neoplastic Syndromes, Hereditary; Hereditary Cancer Syndrome; Tumor predisposition; Hereditary neoplastic syndrome. Identifiers: Orphanet 140162, MedGen C0027672, MeSH D009386, MONDO:0015356.

Allele frequency attached by ClinVar (database versions not stated): gnomAD exomes below 0.00001; TOPMed below 0.00001.
gnomAD v4.1: 1 of 1,611,620 alleles (0.000062%); highest among the groups gnomAD compares: Non-Finnish European, 0.000085%; no homozygotes.

Submissions (5):

Labcorp Genetics (formerly Invitae), Labcorp
Classification: Likely benign for Familial adenomatous polyposis 1. Last evaluated: 2025-11-27. Review status: criteria provided, single submitter. Criteria: Invitae Variant Classification Sherloc (09022015). Collection method: clinical testing. Allele origin: germline.

Myriad Genetics, Inc.
Classification: Likely benign for Familial adenomatous polyposis 1. Last evaluated: 2024-02-26. Review status: criteria provided, single submitter. Criteria: Myriad Autosomal Dominant, Autosomal Recessive and X-Linked Classification Criteria (2023). Collection method: clinical testing. Allele origin: unknown.
Comment: This variant is considered likely benign. This variant is intronic and is not expected to impact mRNA splicing.

Sema4
Classification: Uncertain significance for Hereditary cancer-predisposing syndrome. Last evaluated: 2022-03-16. Review status: criteria provided, single submitter. Criteria: Sema4 Curation Guidelines. Collection method: curation. Allele origin: germline.
Comment: The APC c.730-5A>G variant has not been reported in the literature to our knowledge. It was not observed in the population database Genome Aggregation Database (PMID: 32461654). This variant has been reported in ClinVar (Variation ID: 572858). Algorithms developed to predict the effect of sequence changes on RNA splicing do not suggest negative effect, though these predictions have not been confirmed by functional studies. The evidence is insufficient to meet ACMG/AMP criteria for classifying the variant as benign or pathogenic. Thus, the clinical significance of this variant is currently uncertain.

Color Diagnostics, LLC DBA Color Health
Classification: Uncertain significance for Hereditary cancer-predisposing syndrome. Last evaluated: 2021-01-26. Review status: criteria provided, single submitter. Criteria: ACMG Guidelines, 2015. Collection method: clinical testing. Allele origin: germline.
Comment: This variant causes an A to G nucleotide substitution at the -5 position of intron 7 of the APC gene. To our knowledge, functional studies have not been reported for this variant. This variant has not been reported in individuals affected with hereditary cancer in the literature. This variant has not been identified in the general population by the Genome Aggregation Database (gnomAD). The available evidence is insufficient to determine the role of this variant in disease conclusively. Therefore, this variant is classified as a Variant of Uncertain Significance.

Ambry Genetics
Classification: Likely benign for Hereditary cancer-predisposing syndrome. Last evaluated: 2020-06-15. Review status: criteria provided, single submitter. Criteria: Ambry Variant Classification Scheme 2023. Collection method: clinical testing. Allele origin: germline.